The following is an entry in ClinVar:

NM_001130009.3(GEN1):c.2209del (p.Ile737fs)

Gene: GEN1 (GEN1 structure-specific endonuclease; plus strand). Cytogenetic location: 2p24.2.
Variant type: Deletion.
Coding change: c.2209del on transcript NM_001130009.3 (MANE Select); coding-DNA position 2209, one base deleted (A; older notation c.2209delA).
Protein change: p.Ile737fs; shifts the reading frame from isoleucine 737.
Molecular consequence: frameshift variant.
Genome position (GRCh38, 1-based): chr2:17,781,421, A deleted; the last of 4 consecutive A bases (chr2:17,781,418-17,781,421); deleting any one gives the same sequence. VCF-style (leftmost placement, unchanged base first): chr2-17781417-TA-T. GRCh37 (hg19) VCF-style: chr2-17962684-TA-T.
Other names: c.2209del, p.Ile737fs (NM_182625.5); short protein forms I737fs.
Identifiers: ClinVar variation 3700260 (VCV003700260.2).

ClinVar aggregate classification (germline): Uncertain significance (1 of 4 stars; one submission).

Submission:

Labcorp Genetics (formerly Invitae), Labcorp
Classification: Uncertain significance. Last evaluated: 2024-07-10. Review status: criteria provided, single submitter. Criteria: Invitae Variant Classification Sherloc (09022015). Collection method: clinical testing. Allele origin: germline.
Comment: This sequence change creates a premature translational stop signal (p.Ile737Phefs*2) in the GEN1 gene. While this is not anticipated to result in nonsense mediated decay, it is expected to disrupt the last 172 amino acid(s) of the GEN1 protein. This variant is not present in population databases (gnomAD no frequency). This variant has not been reported in the literature in individuals affected with GEN1-related conditions. Experimental studies and prediction algorithms are not available or were not evaluated, and the functional significance of this variant is currently unknown. In summary, the available evidence is currently insufficient to determine the role of this variant in disease. Therefore, it has been classified as a Variant of Uncertain Significance.